The following is an entry in ClinVar:

ClinVar aggregate classification (germline): Uncertain significance (1 of 4 stars; one submission).

Conditions:
WDR36-related disorder. Also called: WDR36-related condition.

gnomAD v4.1: 27 of 1,609,644 alleles (0.0017%); highest among the groups gnomAD compares: East Asian, 0.0067%; 1 homozygote.

Submission:

PreventionGenetics, part of Exact Sciences
Classification: Uncertain significance for WDR36-related condition. Last evaluated: 2025-07-31. Review status: criteria provided, single submitter. Criteria: ACMG Guidelines, 2015. Collection method: clinical testing. Allele origin: germline.
Comment: The WDR36 c.1502A>T variant is predicted to result in the amino acid substitution p.Asp501Val. To our knowledge, this variant has not been reported in the literature. This variant is present in 0.010% of alleles in individuals of East Asian descent in gnomAD. At this time, the clinical significance of this variant is uncertain due to the absence of conclusive functional and genetic evidence.

NM_139281.3(WDR36):c.1334A>T (p.Asp445Val)

Gene: WDR36 (WD repeat domain 36; plus strand). Cytogenetic location: 5q22.1.
Variant type: single nucleotide variant.
Coding change: c.1334A>T on transcript NM_139281.3 (MANE Select); coding-DNA position 1334, A replaced by T.
Protein change: p.Asp445Val; replaces aspartic acid 445 with valine.
Molecular consequence: missense variant.
Genome position (GRCh38, 1-based): chr5:111,110,196, A>T. VCF-style: chr5-111110196-A-T. GRCh37 (hg19) VCF-style: chr5-110445895-A-T.
Other names: short protein forms D445V.
Identifiers: ClinVar variation 4996600 (VCV004996600.1).